The following is an entry in ClinVar:

ClinVar aggregate classification (germline): Uncertain significance. Review status: criteria provided, multiple submitters, no conflicts (2 of 4 stars). 2 submissions from 2 submitters: Uncertain significance (2). Last evaluated 2024-10-03.

Conditions:
Dyskeratosis congenita, autosomal dominant 6 (DKCA6). Identifiers: Orphanet 3322, MedGen C4225284, MONDO:0014690, OMIM 616553.
Inborn genetic diseases. Identifiers: MedGen C0950123, MeSH D030342.

gnomAD v4.1: 15 of 1,612,358 alleles (0.00093%); highest among the groups gnomAD compares: East Asian, 0.0022%; no homozygotes.

Submissions (2):

Labcorp Genetics (formerly Invitae), Labcorp
Classification: Uncertain significance for Dyskeratosis congenita, autosomal dominant 6. Last evaluated: 2024-10-03. Review status: criteria provided, single submitter. Criteria: Invitae Variant Classification Sherloc (09022015). Collection method: clinical testing. Allele origin: germline.
Comment: This sequence change replaces proline, which is neutral and non-polar, with leucine, which is neutral and non-polar, at codon 77 of the ACD protein (p.Pro77Leu). This variant is present in population databases (rs534010648, gnomAD 0.006%). This variant has not been reported in the literature in individuals affected with ACD-related conditions. ClinVar contains an entry for this variant (Variation ID: 1789409). An algorithm developed to predict the effect of missense changes on protein structure and function outputs the following: PolyPhen-2: "Benign". The leucine amino acid residue is found in multiple mammalian species, which suggests that this missense change does not adversely affect protein function. In summary, the available evidence is currently insufficient to determine the role of this variant in disease. Therefore, it has been classified as a Variant of Uncertain Significance.

Ambry Genetics
Classification: Uncertain significance for Inborn genetic diseases. Last evaluated: 2024-03-25. Review status: criteria provided, single submitter. Criteria: Ambry Variant Classification Scheme 2023. Collection method: clinical testing. Allele origin: germline.
Comment: The p.P77L variant (also known as c.230C>T), located in coding exon 1 of the ACD gene, results from a C to T substitution at nucleotide position 230. The proline at codon 77 is replaced by leucine, an amino acid with similar properties. This amino acid position is conserved. In addition, this alteration is predicted to be tolerated by in silico analysis. Since supporting evidence is limited at this time, the clinical significance of this alteration remains unclear.

NM_001082486.2(ACD):c.-29C>T

Gene: ACD (ACD shelterin complex subunit and telomerase recruitment factor; minus strand). Cytogenetic location: 16q22.1.
Variant type: single nucleotide variant.
Coding change: c.-29C>T on transcript NM_001082486.2 (MANE Select); 29 bases upstream of the start codon, C replaced by T.
Molecular consequence: 5 prime UTR variant.
Genome position (GRCh38, 1-based): chr16:67,660,249, G>A on the plus strand (C>T on the coding strand, the complement: ACD is on the minus strand). VCF-style: chr16-67660249-G-A. GRCh37 (hg19) VCF-style: chr16-67694152-G-A.
Other names: c.-29C>T (NM_001410884.1, NM_022914.3).
Identifiers: ClinVar variation 1789409 (VCV001789409.5), dbSNP rs534010648, ClinGen allele CA8114862.